The following is an entry in ClinVar:

NM_000038.6(APC):c.5081G>A (p.Gly1694Asp)

Gene: APC (APC regulator of Wnt signaling pathway; plus strand). Cytogenetic location: 5q22.2.
Variant type: single nucleotide variant.
Coding change: c.5081G>A on transcript NM_000038.6 (MANE Select); coding-DNA position 5081, G replaced by A.
Protein change: p.Gly1694Asp; replaces glycine 1694 with aspartic acid.
Molecular consequence: missense variant.
Genome position (GRCh38, 1-based): chr5:112,840,675, G>A. VCF-style: chr5-112840675-G-A. GRCh37 (hg19) VCF-style: chr5-112176372-G-A.
Other names: c.5081G>A, p.Gly1694Asp (NM_001127510.3, NM_001354895.2, NM_001407450.1); c.5027G>A, p.Gly1676Asp (NM_001127511.3); c.5135G>A, p.Gly1712Asp (NM_001354896.2, NM_001407447.1, NM_001407448.1 and 1 more transcripts); c.5111G>A, p.Gly1704Asp (NM_001354897.2); c.5006G>A, p.Gly1669Asp (NM_001354898.2); c.4997G>A, p.Gly1666Asp (NM_001354899.2); c.4958G>A, p.Gly1653Asp (NM_001354900.2); c.4904G>A, p.Gly1635Asp (NM_001354901.2, NM_001407453.1); and 11 more; short protein forms G1310D, G1411D, G1534D, G1593D, G1603D, G1653D, G1565D, G1568D.
Identifiers: ClinVar variation 1745225 (VCV001745225.2), dbSNP rs2149931526, ClinGen allele CA16032440.

ClinVar aggregate classification (germline): Uncertain significance (1 of 4 stars; one submission).

Conditions:
Hereditary cancer-predisposing syndrome. Also called: Hereditary Cancer Syndrome; Neoplastic Syndromes, Hereditary; Tumor predisposition; Hereditary neoplastic syndrome. Identifiers: Orphanet 140162, MedGen C0027672, MeSH D009386, MONDO:0015356.

Submission:

Ambry Genetics
Classification: Uncertain significance for Hereditary cancer-predisposing syndrome. Last evaluated: 2022-06-29. Review status: criteria provided, single submitter. Criteria: Ambry Variant Classification Scheme 2023. Collection method: clinical testing. Allele origin: germline.
Comment: The p.G1694D variant (also known as c.5081G>A), located in coding exon 15 of the APC gene, results from a G to A substitution at nucleotide position 5081. The glycine at codon 1694 is replaced by aspartic acid, an amino acid with similar properties. This amino acid position is conserved. In addition, in silico predictors for this gene do not accurately predict pathogenicity. Since supporting evidence is limited at this time, the clinical significance of this alteration remains unclear.